The following is an entry in ClinVar:

NM_006231.4(POLE):c.21G>A (p.Gly7=)

Genes: POLE (DNA polymerase epsilon, catalytic subunit; minus strand), LOC130009266 (ATAC-STARR-seq lymphoblastoid silent region 5123; plus strand). Cytogenetic location: 12q24.33.
Variant type: single nucleotide variant.
Coding change: c.21G>A on transcript NM_006231.4 (MANE Select); coding-DNA position 21, G replaced by A.
Protein change: p.Gly7=; no amino-acid change (glycine 7 retained).
Molecular consequence: synonymous variant.
Genome position (GRCh38, 1-based): chr12:132,687,295, C>T on the plus strand (G>A on the coding strand, the complement: POLE is on the minus strand). VCF-style: chr12-132687295-C-T. GRCh37 (hg19) VCF-style: chr12-133263881-C-T.
Identifiers: ClinVar variation 413491 (VCV000413491.14), dbSNP rs1060504040, ClinGen allele CA16614070.

ClinVar aggregate classification (germline): Likely benign. Review status: criteria provided, multiple submitters, no conflicts (2 of 4 stars). 3 submissions from 3 submitters: Likely benign (3). Last evaluated 2024-08-31.

Conditions:
Hereditary cancer-predisposing syndrome. Also called: Neoplastic Syndromes, Hereditary; Tumor predisposition; Hereditary Cancer Syndrome; Hereditary neoplastic syndrome. Identifiers: Orphanet 140162, MedGen C0027672, MeSH D009386, MONDO:0015356.

Allele frequency attached by ClinVar (database versions not stated): TOPMed below 0.00001.

Submissions (3):

Labcorp Genetics (formerly Invitae), Labcorp
Classification: Likely benign. Last evaluated: 2024-08-31. Review status: criteria provided, single submitter. Criteria: Invitae Variant Classification Sherloc (09022015). Collection method: clinical testing. Allele origin: germline.

Ambry Genetics
Classification: Likely benign for Hereditary cancer-predisposing syndrome. Last evaluated: 2019-04-24. Review status: criteria provided, single submitter. Criteria: Ambry Variant Classification Scheme 2023. Collection method: clinical testing. Allele origin: germline.

GeneDx
Classification: Likely benign. Last evaluated: 2018-03-05. Review status: criteria provided, single submitter. Criteria: GeneDx Variant Classification (06012015). Collection method: clinical testing. Allele origin: germline. Affected: yes.
Comment: This variant is considered likely benign or benign based on one or more of the following criteria: it is a conservative change, it occurs at a poorly conserved position in the protein, it is predicted to be benign by multiple in silico algorithms, and/or has population frequency not consistent with disease.